The following is an entry in ClinVar:

NM_001166108.2(PALLD):c.3077C>G (p.Pro1026Arg)

Genes: CBR4 (carbonyl reductase 4; minus strand), PALLD (palladin, cytoskeletal associated protein; plus strand). Cytogenetic location: 4q32.3.
Variant type: single nucleotide variant.
Coding change: c.3077C>G on transcript NM_001166108.2 (MANE Select); coding-DNA position 3077, C replaced by G.
Protein change: p.Pro1026Arg; replaces proline 1026 with arginine.
Molecular consequence: missense variant.
Genome position (GRCh38, 1-based): chr4:168,924,273, C>G. VCF-style: chr4-168924273-C-G. GRCh37 (hg19) VCF-style: chr4-169845424-C-G.
Other names: c.1880C>G, p.Pro627Arg (NM_001166109.2); c.1565C>G, p.Pro522Arg (NM_001166110.2); c.905C>G, p.Pro302Arg (NM_001367567.1, NM_001367569.1); c.956C>G, p.Pro319Arg (NM_001367568.1, NM_001367570.1); c.3026C>G, p.Pro1009Arg (NM_016081.4); short protein forms P1026R, P319R, P1009R, P302R, P522R, P627R.
Identifiers: ClinVar variation 1798964 (VCV001798964.4), dbSNP rs2534250586, ClinGen allele CA358711712.

ClinVar aggregate classification (germline): Uncertain significance. Review status: criteria provided, multiple submitters, no conflicts (2 of 4 stars). 2 submissions from 2 submitters: Uncertain significance (2). Last evaluated 2024-05-31.

Conditions:
Pancreatic adenocarcinoma. Identifiers: MedGen C0281361, MONDO:0006047, HP:0006725.

Submissions (2):

Labcorp Genetics (formerly Invitae), Labcorp
Classification: Uncertain significance for Pancreatic adenocarcinoma. Last evaluated: 2024-05-31. Review status: criteria provided, single submitter. Criteria: Invitae Variant Classification Sherloc (09022015). Collection method: clinical testing. Allele origin: germline.
Comment: This sequence change replaces proline, which is neutral and non-polar, with arginine, which is basic and polar, at codon 522 of the PALLD protein (p.Pro522Arg). This variant is not present in population databases (gnomAD no frequency). This variant has not been reported in the literature in individuals affected with PALLD-related conditions. ClinVar contains an entry for this variant (Variation ID: 1798964). An algorithm developed to predict the effect of missense changes on protein structure and function (PolyPhen-2) suggests that this variant is likely to be tolerated. In summary, the available evidence is currently insufficient to determine the role of this variant in disease. Therefore, it has been classified as a Variant of Uncertain Significance.

Ambry Genetics
Classification: Uncertain significance. Last evaluated: 2024-03-24. Review status: criteria provided, single submitter. Criteria: Ambry Variant Classification Scheme 2023. Collection method: clinical testing. Allele origin: germline.
Comment: The p.P1009R variant (also known as c.3026C>G), located in coding exon 17 of the PALLD gene, results from a C to G substitution at nucleotide position 3026. The proline at codon 1009 is replaced by arginine, an amino acid with dissimilar properties. This amino acid position is conserved. In addition, this alteration is predicted to be tolerated by in silico analysis. Since supporting evidence is limited at this time, the clinical significance of this alteration remains unclear.